The following is an entry in ClinVar:

NM_022489.4(INF2):c.3546G>T (p.Glu1182Asp)

Gene: INF2 (inverted formin 2; plus strand). Cytogenetic location: 14q32.33.
Variant type: single nucleotide variant.
Coding change: c.3546G>T on transcript NM_022489.4 (MANE Select); coding-DNA position 3546, G replaced by T.
Protein change: p.Glu1182Asp; replaces glutamic acid 1182 with aspartic acid.
Molecular consequence: missense variant.
Genome position (GRCh38, 1-based): chr14:104,714,708, G>T. VCF-style: chr14-104714708-G-T. GRCh37 (hg19) VCF-style: chr14-105181045-G-T.
Other names: c.3546G>T, p.Glu1182Asp (NM_001031714.4); short protein forms E1182D.
Identifiers: ClinVar variation 2644618 (VCV002644618.24), dbSNP rs1890210806, ClinGen allele CA391225141.

ClinVar aggregate classification (germline): Uncertain significance (1 of 4 stars; one submission).

Submission:

CeGaT Center for Human Genetics Tuebingen
Classification: Uncertain significance. Last evaluated: 2022-12-01. Review status: criteria provided, single submitter. Criteria: CeGaT Center For Human Genetics Tuebingen Variant Classification Criteria Version 2. Collection method: clinical testing. Allele origin: germline. Affected: yes. Observed: 1 variant allele.
Comment: INF2: PM2, BP4